The following is an entry in ClinVar:

ClinVar aggregate classification (germline): Uncertain significance (1 of 4 stars; one submission).

Conditions:
Spastic paraplegia. Identifiers: MedGen C0037772, HP:0001258.

Submission:

Labcorp Genetics (formerly Invitae), Labcorp
Classification: Uncertain significance for Spastic paraplegia. Last evaluated: 2023-12-06. Review status: criteria provided, single submitter. Criteria: Invitae Variant Classification Sherloc (09022015). Collection method: clinical testing. Allele origin: germline.
Comment: This sequence change falls in intron 19 of the KIF5A gene. It does not directly change the encoded amino acid sequence of the KIF5A protein. It affects a nucleotide within the consensus splice site. This variant is not present in population databases (gnomAD no frequency). This variant has not been reported in the literature in individuals affected with KIF5A-related conditions. Variants that disrupt the consensus splice site are a relatively common cause of aberrant splicing (PMID: 17576681, 9536098). Algorithms developed to predict the effect of sequence changes on RNA splicing suggest that this variant is not likely to affect RNA splicing. In summary, the available evidence is currently insufficient to determine the role of this variant in disease. Therefore, it has been classified as a Variant of Uncertain Significance.

Literature cited by the submitters: PubMed 17576681; PubMed 9536098.

NM_004984.4(KIF5A):c.2198+6G>C

Gene: KIF5A (kinesin family member 5A; plus strand). Cytogenetic location: 12q13.3.
Variant type: single nucleotide variant.
Coding change: c.2198+6G>C on transcript NM_004984.4 (MANE Select); 6 bases into the intron after coding-DNA position 2198, G replaced by C.
Molecular consequence: intron variant.
Genome position (GRCh38, 1-based): chr12:57,576,384, G>C. VCF-style: chr12-57576384-G-C. GRCh37 (hg19) VCF-style: chr12-57970167-G-C.
Other names: c.1931+6G>C (NM_001354705.2).
Identifiers: ClinVar variation 2701250 (VCV002701250.3), dbSNP rs2540509693, ClinGen allele CA2697559305.